The following is an entry in ClinVar:

NM_013444.4(UBQLN2):c.981G>C (p.Gln327His)

Gene: UBQLN2 (ubiquilin 2; plus strand). Cytogenetic location: Xp11.21.
Variant type: single nucleotide variant.
Coding change: c.981G>C on transcript NM_013444.4 (MANE Select); coding-DNA position 981, G replaced by C.
Protein change: p.Gln327His; replaces glutamine 327 with histidine.
Molecular consequence: missense variant.
Genome position (GRCh38, 1-based): chrX:56,564,854, G>C. VCF-style: chrX-56564854-G-C. GRCh37 (hg19) VCF-style: chrX-56591287-G-C.
Other names: short protein forms Q327H.
Identifiers: ClinVar variation 3233482 (VCV003233482.2), dbSNP rs774248580, ClinGen allele CA10430106.

ClinVar aggregate classification (germline): Uncertain significance (1 of 4 stars; one submission).

Allele frequency attached by ClinVar (database versions not stated): ExAC 0.00001; TOPMed 0.00001; gnomAD 0.00002; gnomAD exomes 0.00002.

Submission:

Women's Health and Genetics/Laboratory Corporation of America, LabCorp
Classification: Uncertain significance. Last evaluated: 2024-03-12. Review status: criteria provided, single submitter. Criteria: LabCorp Variant Classification Summary - May 2015. Collection method: clinical testing. Allele origin: germline.
Comment: Variant summary: UBQLN2 c.981G>C (p.Gln327His) results in a non-conservative amino acid change in the encoded protein sequence. Three of five in-silico tools predict a damaging effect of the variant on protein function. The variant allele was found at a frequency of 1.6e-05 in 182163 control chromosomes (gnomAD). The available data on variant occurrences in the general population are insufficient to allow any conclusion about variant significance. To our knowledge, no occurrence of c.981G>C in individuals affected with Amyotrophic Lateral Sclerosis Type 15 and no experimental evidence demonstrating its impact on protein function have been reported. No submitters have cited clinical-significance assessments for this variant to ClinVar. Based on the evidence outlined above, the variant was classified as uncertain significance.